The following is an entry in ClinVar:

ClinVar aggregate classification (germline): Conflicting classifications of pathogenicity. Review status: criteria provided, conflicting classifications (1 of 4 stars). 8 submissions from 8 submitters: Uncertain significance (1); Likely benign (5). 2 of the submissions do not count toward it. Last evaluated 2026-02-02.

Conditions:
Autosomal recessive limb-girdle muscular dystrophy type 2A (LGMDR1). Also called: Calpainopathy; LEYDEN-MOEBIUS MUSCULAR DYSTROPHY; MUSCULAR DYSTROPHY, PELVOFEMORAL; Muscular dystrophy, limb-girdle, type 2A, Amish; Limb-girdle muscular dystrophy, type 2A. Identifiers: Orphanet 267, MedGen C1869123, MONDO:0009675, OMIM 253600. Disease mechanism: loss of function.
CAPN3-related disorder. Also called: CAPN3-related condition; CAPN3-related disorders. Identifiers: MedGen CN239245.

Allele frequency attached by ClinVar (database versions not stated): ExAC 0.00009; gnomAD exomes 0.00009 and 0.00011; gnomAD 0.00011; 1000 Genomes Project 30x 0.00016; TOPMed 0.00019; 1000 Genomes Project 0.00020; ESP Exome Variant Server 0.00031.
gnomAD v4.1: 158 of 1,612,858 alleles (0.0098%); highest among the groups gnomAD compares: Admixed American, 0.04%; no homozygotes.

Submissions (8):

Labcorp Genetics (formerly Invitae), Labcorp
Classification: Likely benign for Autosomal recessive limb-girdle muscular dystrophy type 2A. Last evaluated: 2026-02-02. Review status: criteria provided, single submitter. Criteria: Invitae Variant Classification Sherloc (09022015). Collection method: clinical testing. Allele origin: germline.

Mayo Clinic Laboratories, Mayo Clinic
Classification: Likely benign. Last evaluated: 2025-10-22. Review status: criteria provided, single submitter. Criteria: ACMG Guidelines, 2015. Collection method: clinical testing. Allele origin: germline. Observed: 1 variant allele.
Comment: BP4, BP7

CeGaT Center for Human Genetics Tuebingen
Classification: Likely benign. Last evaluated: 2024-06-01. Review status: criteria provided, single submitter. Criteria: CeGaT Center For Human Genetics Tuebingen Variant Classification Criteria Version 2. Collection method: clinical testing. Allele origin: germline. Affected: yes. Observed: 1 variant allele.
Comment: CAPN3: BP4, BP7

Blueprint Genetics
Classification: Likely benign. Last evaluated: 2024-04-12. Review status: criteria provided, single submitter. Criteria: ACMG Guidelines, 2015. Collection method: clinical testing. Allele origin: germline.

GeneDx
Classification: Likely benign. Last evaluated: 2018-09-14. Review status: criteria provided, single submitter. Criteria: GeneDx Variant Classification Process June 2021. Collection method: clinical testing. Allele origin: germline. Affected: yes.

Eurofins Ntd Llc (ga)
Classification: Uncertain significance. Last evaluated: 2017-02-08. Review status: criteria provided, single submitter. Criteria: EGL Classification Definitions 2015. Collection method: clinical testing. Allele origin: germline. Observed: 1 variant allele, 1 heterozygote.

PreventionGenetics, part of Exact Sciences
Classification: Likely benign for CAPN3-related condition. Last evaluated: 2023-08-23. Review status: no assertion criteria provided. Collection method: clinical testing. Allele origin: germline. Not counted in ClinVar's aggregate classification.
Comment: This variant is classified as likely benign based on ACMG/AMP sequence variant interpretation guidelines (Richards et al. 2015 PMID: 25741868, with internal and published modifications).

Natera, Inc.
Classification: Likely benign for Limb-girdle muscular dystrophy type 2A. Last evaluated: 2020-04-17. Review status: no assertion criteria provided. Collection method: clinical testing. Allele origin: germline. Not counted in ClinVar's aggregate classification.

NM_000070.3(CAPN3):c.1521C>T (p.Tyr507=)

Gene: CAPN3 (calpain 3; plus strand). Cytogenetic location: 15q15.1.
Variant type: single nucleotide variant.
Coding change: c.1521C>T on transcript NM_000070.3 (MANE Select); coding-DNA position 1521, C replaced by T.
Protein change: p.Tyr507=; no amino-acid change (tyrosine 507 retained).
Molecular consequence: synonymous variant.
Genome position (GRCh38, 1-based): chr15:42,401,807, C>T. VCF-style: chr15-42401807-C-T. GRCh37 (hg19) VCF-style: chr15-42694005-C-T.
Other names: p.Tyr507=; c.1521C>T, p.Tyr507= (NM_024344.2); c.1377C>T, p.Tyr459= (NM_173087.2).
Identifiers: ClinVar variation 500391 (VCV000500391.40), dbSNP rs370231427, ClinGen allele CA7511381.
Genomic context (GRCh38, chr15:42,401,807, plus strand): 5'-GAACCGGCGGAAGGACCGGAAGCTAGGGGCCAGTCTCTTCACCATTGGCTTCGCCATCTA[C>T]GAGGTGTGCAGTCCTGATTGGCTCCAGCCCAGGAAACATACTTTCCCAGGGAGGACGCTT-3'
Protein context (NP_000061.1, residues 497-517): ASLFTIGFAI[Tyr507=]EVPKEMHGNK